The following is an entry in ClinVar:

NM_001080449.3(DNA2):c.460C>T (p.Arg154Cys)

Gene: DNA2 (DNA replication helicase/nuclease 2; minus strand). Cytogenetic location: 10q21.3.
Variant type: single nucleotide variant.
Coding change: c.460C>T on transcript NM_001080449.3 (MANE Select); coding-DNA position 460, C replaced by T.
Protein change: p.Arg154Cys; replaces arginine 154 with cysteine.
Molecular consequence: missense variant. On other transcripts: non-coding transcript variant (1).
Genome position (GRCh38, 1-based): chr10:68,465,794, G>A on the plus strand (C>T on the coding strand, the complement: DNA2 is on the minus strand). VCF-style: chr10-68465794-G-A. GRCh37 (hg19) VCF-style: chr10-70225551-G-A.
Other names: short protein forms R154C.
Identifiers: ClinVar variation 1381418 (VCV001381418.38), dbSNP rs752518307, ClinGen allele CA5525288.
Genomic context (GRCh38, chr10:68,465,794, plus strand): 5'-AGCTATTATTTATGGCTTTTTGAAACACCTCATGGAGAACCGTACCAATTAGCATTTGGC[G>A]TGTGGCTGGATCAGAGCTCTACAAAAGCAAATCACACAGTTTATTTCACAACATATTAAC-3'
Protein context (NP_001073918.2, residues 144-164): ETFRSSDPAT[Arg154Cys]QMLIGTVLHE

ClinVar aggregate classification (germline): Uncertain significance. Review status: criteria provided, multiple submitters, no conflicts (2 of 4 stars). 2 submissions from 2 submitters: Uncertain significance (2). Last evaluated 2025-10-24.

Allele frequency attached by ClinVar (database versions not stated): TOPMed 0.00003; gnomAD 0.00005; gnomAD exomes 0.00006; ExAC 0.00009.

Submissions (2):

Labcorp Genetics (formerly Invitae), Labcorp
Classification: Uncertain significance. Last evaluated: 2025-10-24. Review status: criteria provided, single submitter. Criteria: Invitae Variant Classification Sherloc (09022015). Collection method: clinical testing. Allele origin: germline.
Comment: This sequence change replaces arginine, which is basic and polar, with cysteine, which is neutral and slightly polar, at codon 154 of the DNA2 protein (p.Arg154Cys). This variant is present in population databases (rs752518307, gnomAD 0.03%). This variant has not been reported in the literature in individuals affected with DNA2-related conditions. ClinVar contains an entry for this variant (Variation ID: 1381418). Invitae Evidence Modeling of protein sequence and biophysical properties (such as structural, functional, and spatial information, amino acid conservation, physicochemical variation, residue mobility, and thermodynamic stability) indicates that this missense variant is expected to disrupt DNA2 protein function with a positive predictive value of 80%. In summary, the available evidence is currently insufficient to determine the role of this variant in disease. Therefore, it has been classified as a Variant of Uncertain Significance.

CeGaT Center for Human Genetics Tuebingen
Classification: Uncertain significance. Last evaluated: 2024-04-01. Review status: criteria provided, single submitter. Criteria: CeGaT Center For Human Genetics Tuebingen Variant Classification Criteria Version 2. Collection method: clinical testing. Allele origin: germline. Affected: yes. Observed: 2 variant alleles.
Comment: DNA2: PM2